The following is an entry in ClinVar:

NM_000388.4(CASR):c.3199G>A (p.Gly1067Arg)

Gene: CASR (calcium sensing receptor; plus strand). Cytogenetic location: 3q21.1.
Variant type: single nucleotide variant.
Coding change: c.3199G>A on transcript NM_000388.4 (MANE Select); coding-DNA position 3199, G replaced by A.
Protein change: p.Gly1067Arg; replaces glycine 1067 with arginine.
Molecular consequence: missense variant.
Genome position (GRCh38, 1-based): chr3:122,285,153, G>A. VCF-style: chr3-122285153-G-A. GRCh37 (hg19) VCF-style: chr3-122004000-G-A.
Other names: c.3229G>A, p.Gly1077Arg (NM_001178065.2); short protein forms G1067R, G1077R.
Identifiers: ClinVar variation 2935632 (VCV002935632.3), dbSNP rs2473284203, ClinGen allele CA354161763.
Genomic context (GRCh38, chr3:122,285,153, plus strand): 5'-CCTGAAGAGTTGTCCCCAGCACTTGTAGTGTCCAGTTCACAGAGCTTTGTCATCAGTGGT[G>A]GAGGCAGCACTGTTACAGAAAACGTAGTGAATTCATAAAATGGAAGGAGAAGACTGGGCT-3'
Protein context (NP_000379.3, residues 1057-1077): SSSQSFVISG[Gly1067Arg]GSTVTENVVN

ClinVar aggregate classification (germline): Uncertain significance (1 of 4 stars; one submission).

Conditions:
Autosomal dominant hypocalcemia 1 (HYPOC1). Also called: HYPOCALCEMIA, FAMILIAL. Identifiers: MedGen C3715128, MONDO:0011013, OMIM 601198.
Familial hypocalciuric hypercalcemia (FHH). Also called: Familial benign hypercalcemia. Identifiers: Orphanet 405, MedGen C1809471, MONDO:0018458.

Submission:

Labcorp Genetics (formerly Invitae), Labcorp
Classification: Uncertain significance for Familial hypocalciuric hypercalcemia; Autosomal dominant hypocalcemia 1. Last evaluated: 2023-04-19. Review status: criteria provided, single submitter. Criteria: Invitae Variant Classification Sherloc (09022015). Collection method: clinical testing. Allele origin: germline.
Comment: In summary, the available evidence is currently insufficient to determine the role of this variant in disease. Therefore, it has been classified as a Variant of Uncertain Significance. An algorithm developed to predict the effect of missense changes on protein structure and function (PolyPhen-2) suggests that this variant is likely to be disruptive. This variant has not been reported in the literature in individuals affected with CASR-related conditions. This variant is not present in population databases (gnomAD no frequency). This sequence change replaces glycine, which is neutral and non-polar, with arginine, which is basic and polar, at codon 1067 of the CASR protein (p.Gly1067Arg).